The following is an entry in ClinVar:

ClinVar aggregate classification (germline): Uncertain significance (1 of 4 stars; one submission).

Conditions:
Developmental and epileptic encephalopathy, 27 (DEE27). Also called: GRIN2B-Related Neurodevelopmental Disorder; Epileptic encephalopathy, early infantile, 27. Identifiers: Orphanet 3451, MedGen C4015316, MONDO:0014505, OMIM 616139.
Intellectual developmental disorder, autosomal dominant 6, with or without seizures. Also called: Intellectual disability, autosomal dominant 6; GRIN2B-related developmental delay, intellectual disability and autism spectrum disorder. Identifiers: Orphanet 589547, MedGen C3151411, MONDO:0013509, OMIM 613970.

Submission:

Labcorp Genetics (formerly Invitae), Labcorp
Classification: Uncertain significance for Developmental and epileptic encephalopathy, 27; Intellectual developmental disorder, autosomal dominant 6, with or without seizures. Last evaluated: 2022-05-16. Review status: criteria provided, single submitter. Criteria: Invitae Variant Classification Sherloc (09022015). Collection method: clinical testing. Allele origin: germline.
Comment: In summary, the available evidence is currently insufficient to determine the role of this variant in disease. Therefore, it has been classified as a Variant of Uncertain Significance. Advanced modeling of protein sequence and biophysical properties (such as structural, functional, and spatial information, amino acid conservation, physicochemical variation, residue mobility, and thermodynamic stability) performed at Invitae indicates that this missense variant is not expected to disrupt GRIN2B protein function. This variant has not been reported in the literature in individuals affected with GRIN2B-related conditions. This variant is not present in population databases (gnomAD no frequency). This sequence change replaces glutamic acid, which is acidic and polar, with lysine, which is basic and polar, at codon 397 of the GRIN2B protein (p.Glu397Lys).

NM_000834.5(GRIN2B):c.1189G>A (p.Glu397Lys)

Gene: GRIN2B (glutamate ionotropic receptor NMDA type subunit 2B; minus strand). Cytogenetic location: 12p13.1.
Variant type: single nucleotide variant.
Coding change: c.1189G>A on transcript NM_000834.5 (MANE Select); coding-DNA position 1189, G replaced by A.
Protein change: p.Glu397Lys; replaces glutamic acid 397 with lysine.
Molecular consequence: missense variant.
Genome position (GRCh38, 1-based): chr12:13,616,594, C>T on the plus strand (G>A on the coding strand, the complement: GRIN2B is on the minus strand). VCF-style: chr12-13616594-C-T. GRCh37 (hg19) VCF-style: chr12-13769528-C-T.
Other names: c.1189G>A, p.Glu397Lys (NM_001413992.1); short protein forms E397K.
Identifiers: ClinVar variation 2134805 (VCV002134805.4), dbSNP rs1555112387, ClinGen allele CA384052756.